The following is an entry in ClinVar:

ClinVar aggregate classification (germline): Conflicting classifications of pathogenicity. Review status: criteria provided, conflicting classifications (1 of 4 stars). 3 submissions from 3 submitters: Pathogenic (2); Uncertain significance (1). Last evaluated 2025-01-11.

Conditions:
Inborn genetic diseases. Identifiers: MedGen C0950123, MeSH D030342.
Neuronal ceroid lipofuscinosis. Also called: Neuronal Ceroid Lipofuscinoses. Identifiers: Orphanet 216, Orphanet 79263, MedGen C0027877, MONDO:0016295. Disease mechanism: loss of function.

Submissions (3):

Labcorp Genetics (formerly Invitae), Labcorp
Classification: Pathogenic for Neuronal ceroid lipofuscinosis. Last evaluated: 2025-01-11. Review status: criteria provided, single submitter. Criteria: Invitae Variant Classification Sherloc (09022015). Collection method: clinical testing. Allele origin: germline.
Comment: This sequence change creates a premature translational stop signal (p.Val236Serfs*8) in the CLN8 gene. While this is not anticipated to result in nonsense mediated decay, it is expected to disrupt the last 51 amino acid(s) of the CLN8 protein. This variant is present in population databases (rs761621368, gnomAD 0.008%). This variant has not been reported in the literature in individuals affected with CLN8-related conditions. ClinVar contains an entry for this variant (Variation ID: 457979). This variant disrupts a region of the CLN8 protein in which other variant(s) (p.Trp263Cys) have been determined to be pathogenic (PMID: 15024724). This suggests that this is a clinically significant region of the protein, and that variants that disrupt it are likely to be disease-causing. For these reasons, this variant has been classified as Pathogenic.

Blueprint Genetics
Classification: Uncertain significance. Last evaluated: 2024-06-05. Review status: criteria provided, single submitter. Criteria: ACMG Guidelines, 2015. Collection method: clinical testing. Allele origin: germline.

Ambry Genetics
Classification: Pathogenic for Inborn genetic diseases. Last evaluated: 2017-09-13. Review status: criteria provided, single submitter. Criteria: Ambry exome assertion method (8-5-2015). Collection method: clinical testing. Allele origin: germline. Affected: yes. Observed: 1 variant allele.

Literature cited by the submitters: PubMed 15024724 (cited by Labcorp Genetics (formerly Invitae), Labcorp and Ambry Genetics); PubMed 28116333 (cited by Ambry Genetics).

NM_018941.4(CLN8):c.703del (p.Val236fs)

Gene: CLN8 (CLN8 transmembrane ER and ERGIC protein; plus strand). Cytogenetic location: 8p23.3.
Variant type: Deletion.
Coding change: c.703del on transcript NM_018941.4 (MANE Select); coding-DNA position 703, one base deleted (C; older notation c.703delC).
Protein change: p.Val236fs; shifts the reading frame from valine 236.
Molecular consequence: frameshift variant.
Genome position (GRCh38, 1-based): chr8:1,780,409, C deleted; the last of 2 consecutive C bases (chr8:1,780,408-1,780,409); deleting either gives the same sequence. VCF-style (leftmost placement, unchanged base first): chr8-1780407-TC-T. GRCh37 (hg19) VCF-style: chr8-1728573-TC-T.
Other names: c.703delC (NM_018941.3); short protein forms V236fs.
Identifiers: ClinVar variation 457979 (VCV000457979.12), dbSNP rs761621368, ClinGen allele CA4599337.